The following is an entry in ClinVar:

ClinVar aggregate classification (germline): Uncertain significance (1 of 4 stars; one submission).

Conditions:
Glucose-6-phosphate transport defect (GSD1B). Also called: Glycogen Storage Disease Type Ib; GSD Ib. Identifiers: Orphanet 364, Orphanet 79259, MedGen C0268146, MONDO:0009288, OMIM 232220.

Submission:

Labcorp Genetics (formerly Invitae), Labcorp
Classification: Uncertain significance for Glucose-6-phosphate transport defect. Last evaluated: 2021-11-21. Review status: criteria provided, single submitter. Criteria: Invitae Variant Classification Sherloc (09022015). Collection method: clinical testing. Allele origin: germline.
Comment: In summary, the available evidence is currently insufficient to determine the role of this variant in disease. Therefore, it has been classified as a Variant of Uncertain Significance. Experimental studies and prediction algorithms are not available or were not evaluated, and the functional significance of this variant is currently unknown. This variant has not been reported in the literature in individuals affected with SLC37A4-related conditions. This variant is not present in population databases (gnomAD no frequency). This sequence change replaces glycine, which is neutral and non-polar, with cysteine, which is neutral and slightly polar, at codon 20 of the SLC37A4 protein (p.Gly20Cys).

NM_001164277.2(SLC37A4):c.58G>T (p.Gly20Cys)

Gene: SLC37A4 (solute carrier family 37 member 4; minus strand). Cytogenetic location: 11q23.3.
Variant type: single nucleotide variant.
Coding change: c.58G>T on transcript NM_001164277.2 (MANE Select); coding-DNA position 58, G replaced by T.
Protein change: p.Gly20Cys; replaces glycine 20 with cysteine.
Molecular consequence: missense variant. On other transcripts: intron variant (1).
Genome position (GRCh38, 1-based): chr11:119,029,312, C>A on the plus strand (G>T on the coding strand, the complement: SLC37A4 is on the minus strand). VCF-style: chr11-119029312-C-A. GRCh37 (hg19) VCF-style: chr11-118900022-C-A.
Other names: c.58G>T, p.Gly20Cys (NM_001164278.2, NM_001164280.2, NM_001467.6); c.-172+80G>T (NM_001164279.2); short protein forms G20C.
Identifiers: ClinVar variation 1490187 (VCV001490187.6), dbSNP rs2134644210, ClinGen allele CA382908723.